The following is an entry in ClinVar:

ClinVar aggregate classification (germline): Likely pathogenic (1 of 4 stars; one submission).

Submission:

CeGaT Center for Human Genetics Tuebingen
Classification: Likely pathogenic. Last evaluated: 2025-01-01. Review status: criteria provided, single submitter. Criteria: CeGaT Center For Human Genetics Tuebingen Variant Classification Criteria Version 2. Collection method: clinical testing. Allele origin: germline. Affected: yes. Observed: 1 variant allele.
Comment: GRIN2B: PM1, PM2, PS2:Moderate, PP2

NM_000834.5(GRIN2B):c.2001C>A (p.Ser667Arg)

Gene: GRIN2B (glutamate ionotropic receptor NMDA type subunit 2B; minus strand). Cytogenetic location: 12p13.1.
Variant type: single nucleotide variant.
Coding change: c.2001C>A on transcript NM_000834.5 (MANE Select); coding-DNA position 2001, C replaced by A.
Protein change: p.Ser667Arg; replaces serine 667 with arginine.
Molecular consequence: missense variant.
Genome position (GRCh38, 1-based): chr12:13,608,612, G>T on the plus strand (C>A on the coding strand, the complement: GRIN2B is on the minus strand). VCF-style: chr12-13608612-G-T. GRCh37 (hg19) VCF-style: chr12-13761546-G-T.
Other names: short protein forms S667R.
Identifiers: ClinVar variation 1175819 (VCV001175819.35), dbSNP rs200392452, ClinGen allele CA384050695.
Genomic context (GRCh38, chr12:13,608,612, plus strand): 5'-GCTGAGAACAGGATTGAGGGAAAGACGGGAGATTTCAAATGAGTCTCTTACCTTTTTGTC[G>T]CTCAGGCCAGAAACCTGGTCCACATATTCCTCTTGGATCATGAAGGCAGCTAAGTTGGCA-3'
Protein context (NP_000825.2, residues 657-677): EEYVDQVSGL[Ser667Arg]DKKFQRPNDF